The following is an entry in ClinVar:

NM_019066.5(MAGEL2):c.843TCCAGG[1] (p.282PG[1])

Gene: MAGEL2 (MAGE family member L2; minus strand). Cytogenetic location: 15q11.2.
Variant type: Microsatellite.
Coding change: c.843TCCAGG[1] on transcript NM_019066.5 (MANE Select); one copy of the 6-base unit TCCAGG starting at c.843; the reference has two copies in a row; one copy, 6 bases deleted; also written c.849_854del.
Protein change: p.282PG[1].
Molecular consequence: inframe deletion.
Genome position (GRCh38, 1-based): chr15:23,646,889-23,646,894, CCTGGA deleted on the plus strand (TCCAGG on the coding strand, the reverse complement: MAGEL2 is on the minus strand); deleting any 6 consecutive bases within chr15:23,646,889-23,646,900 gives the same sequence; the position shown is the placement nearest the transcript's 3' end. VCF-style (leftmost placement, unchanged base first): chr15-23646888-TCCTGGA-T. GRCh37 (hg19) VCF-style: chr15-23892035-TCCTGGA-T.
Other names: c.849_854del (NM_019066.5).
Identifiers: ClinVar variation 2429983 (VCV002429983.4), dbSNP rs2503982926, ClinGen allele CA2580613780.

ClinVar aggregate classification (germline): Uncertain significance. Review status: criteria provided, multiple submitters, no conflicts (2 of 4 stars). 2 submissions from 2 submitters: Uncertain significance (2). Last evaluated 2025-08-17.

Conditions:
Schaaf-Yang syndrome (SHFYNG). Also called: Arthrogryposis, distal, with hypopituitarism, intellectual disability, and facial anomalies; MAGEL2-related Prader-Willi-like syndrome. Identifiers: Orphanet 398069, MedGen C5575066, MONDO:0014243, OMIM 615547.
Autism spectrum disorder. Also called: Autism spectrum disorders. Identifiers: MedGen C1510586, MeSH D000067877, MONDO:0005258.

Submissions (2):

Dasa
Classification: Uncertain significance for Schaaf-Yang syndrome. Last evaluated: 2025-08-17. Review status: criteria provided, single submitter. Criteria: DASA Assertion Criteria. Collection method: clinical testing. Allele origin: germline.
Comment: NM_019066.5(MAGEL2):c.849_854del (p.Pro284_Gly285del) is an in-frame deletion predicted to remove amino acids from proline at protein position 284 through glycine at protein position 285 without shifting the reading frame. This variant is rare in population databases. The currently available literature and clinical evidence are not sufficient to establish a definitive association between this variant and the reported condition. Therefore, this variant is classified as a variant of uncertain significance.

Department of Genetics, Rouen University Hospital, Normandy Center for Genomic and Personalized Medicine
Classification: Uncertain significance for Autism spectrum disorder. Review status: criteria provided, single submitter. Criteria: ACMG Guidelines, 2015. Collection method: clinical testing. Allele origin: unknown. Affected: yes.